The following is an entry in ClinVar:

NM_000492.4(CFTR):c.3107C>A (p.Thr1036Asn)

Genes: CFTR (CF transmembrane conductance regulator; plus strand), CFTR-AS2 (CFTR antisense RNA 2; minus strand), LOC111674472 (DNase I hypersensitive sites in introns 16 and 17a of CFTR; plus strand). Cytogenetic location: 7q31.2.
Variant type: single nucleotide variant.
Coding change: c.3107C>A on transcript NM_000492.4 (MANE Select); coding-DNA position 3107, C replaced by A.
Protein change: p.Thr1036Asn; replaces threonine 1036 with asparagine.
Molecular consequence: missense variant.
Genome position (GRCh38, 1-based): chr7:117,610,637, C>A. VCF-style: chr7-117610637-C-A. GRCh37 (hg19) VCF-style: chr7-117250691-C-A.
Other names: short protein forms T1036N.
Identifiers: ClinVar variation 53652 (VCV000053652.30), dbSNP rs397508498, ClinGen allele CA327046.

ClinVar aggregate classification (germline): Pathogenic. Review status: reviewed by expert panel (3 of 4 stars). 11 submissions from 10 submitters: Pathogenic (1). 10 of the submissions do not count toward it. Last evaluated 2019-03-11.

Conditions:
CFTR-related disorder (CFTR-RD). Also called: CFTR-related disorders; CFTR-related condition. Identifiers: MedGen C5924204, MONDO:7770004.
Cystic fibrosis (CF). Also called: MUCOVISCIDOSIS. Identifiers: Orphanet 586, MedGen C0010674, MONDO:0009061, OMIM 219700. Disease mechanism: loss of function.
Congenital bilateral aplasia of vas deferens from CFTR mutation (CBAVD). Identifiers: Orphanet 48, MedGen C0403814, MONDO:0010178, OMIM 277180. Disease mechanism: loss of function.
Bronchiectasis with or without elevated sweat chloride 1 (BESC1). Also called: Cystic Fibrosis-Like Syndrome. Identifiers: Orphanet 60033, MedGen C2749757, MONDO:0008887, OMIM 211400.

Allele frequency attached by ClinVar (database versions not stated): gnomAD exomes below 0.00001; TOPMed 0.00001; gnomAD 0.00001.
gnomAD v4.1: 3 of 1,613,434 alleles (0.00019%); highest among the groups gnomAD compares: Admixed American, 0.0033%; no homozygotes.

Submissions 1 to 6 of 11:

CFTR2
Classification: Pathogenic for Cystic fibrosis. Last evaluated: 2019-03-11. Review status: reviewed by expert panel. Criteria: Sosnay PR et al. (Nat Genet 2013). Collection method: research. Allele origin: germline. Affected: yes.

Labcorp Genetics (formerly Invitae), Labcorp
Classification: Pathogenic for Cystic fibrosis. Last evaluated: 2026-01-03. Review status: criteria provided, single submitter. Criteria: Invitae Variant Classification Sherloc (09022015). Collection method: clinical testing. Allele origin: germline. Not counted in ClinVar's aggregate classification.
Comment: This sequence change replaces threonine, which is neutral and polar, with asparagine, which is neutral and polar, at codon 1036 of the CFTR protein (p.Thr1036Asn). This variant is present in population databases (rs397508498, gnomAD 0.004%). This missense change has been observed in individual(s) with cystic fibrosis (PMID: 16189704, 27214204, 32429104). In at least one individual the data is consistent with being in trans (on the opposite chromosome) from a pathogenic variant. ClinVar contains an entry for this variant (Variation ID: 53652). Invitae Evidence Modeling of protein sequence and biophysical properties (such as structural, functional, and spatial information, amino acid conservation, physicochemical variation, residue mobility, and thermodynamic stability) has been performed for this missense variant. However, the output from this modeling did not meet the statistical confidence thresholds required to predict the impact of this variant on CFTR protein function. This variant disrupts the p.Thr1036 amino acid residue in CFTR. Other variant(s) that disrupt this residue have been observed in individuals with CFTR-related conditions (PMID: 17662673), which suggests that this may be a clinically significant amino acid residue. For these reasons, this variant has been classified as Pathogenic.

Natera, Inc.
Classification: Pathogenic for CFTR-related disorders. Last evaluated: 2025-12-01. Review status: criteria provided, single submitter. Criteria: Natera Variant Classification Schema (03/2026). Collection method: clinical testing. Allele origin: germline. Not counted in ClinVar's aggregate classification.
Comment: The c.3107C>A variant in CFTR is a missense variant predicted to cause substitution of threonine to asparagine at amino acid 1036. This variant is rare in the general population with a frequency below the threshold expected for the associated phenotype(s). This variant has been observed in one or more individuals affected with the associated recessive disease, as either homozygous or compound heterozygous with a second variant (PMID: 16189704, 32429104, 27214204). This variant has been identified in one or more affected individuals with a phenotype highly consistent with the associated gene (PMID: 16189704, 32429104, 27214204). Functional studies show that this variant may disrupt protein function (PMID: 38388235). Computational prediction algorithms indicate this variant is likely to affect gene or protein function. Given the available evidence, this variant is classified as Pathogenic.

ARUP Laboratories, Molecular Genetics and Genomics, ARUP Laboratories
Classification: Likely pathogenic for Cystic fibrosis. Last evaluated: 2025-03-13. Review status: criteria provided, single submitter. Criteria: ARUP Molecular Germline Variant Investigation Process 2024. Collection method: clinical testing. Allele origin: germline. Not counted in ClinVar's aggregate classification.
Comment: The CFTR c.3107C>A; p.Thr1036Asn variant (rs397508498, ClinVar Variation ID: 53652) is reported in the literature in individuals affected with cystic fibrosis (CF) (Chavez-Saldana 2010, Giusti 2007, McGinniss 2005, Salinas 2016, CFTR2 database). This variant has been identified in affected individuals both in the homozygous state (McGinniss 2005) and in heterozygous individuals with an additional pathogenic variant (Salinas 2016, Giusti 2007). This variant is found on only two chromosomes in the Genome Aggregation Database (v2.1.1), indicating it is not a common polymorphism. Computational analyses are uncertain whether this variant is neutral or deleterious (REVEL: 0.623). Additionally, another variant at the same codon (p.Thr1036Ile) has been reported in individuals with CF (Alibakhshi 2008, Sahami 2014). Based on available information, the p.Thr1036Asn variant is considered to be likely pathogenic. References: The CFTR c.3107C>A; p.Thr1036Asn variant (rs397508498, ClinVar Variation ID: 53652) is reported in the literature in individuals affected with cystic fibrosis (CF) (Chavez-Saldana 2010, Giusti 2007, McGinniss 2005, Salinas 2016). This variant has been identified in affected individuals both in the homozygous state (McGinniss 2005) and in heterozygous individuals with an additional pathogenic variant (Salinas 2016, Giusti 2007). This variant is found on only two chromosomes in the Genome Aggregation Database (v2.1.1), indicating it is not a common polymorphism. Computational analyses are uncertain whether this variant is neutral or deleterious (REVEL: 0.623). Additionally, another variant at the same codon (p.Thr1036Ile) has been reported in individuals with CF (Alibakhshi 2008, Sahami 2014). Based on available information, the p.Thr1036Asn variant is considered to be likely pathogenic. References: Alibakhshi R et al. Analysis of the CFTR gene in Iranian cystic fibrosis patients: identification of eight novel mutations. J Cyst Fibros. 2008 Mar;7(2):102-9. Chavez-Saldana M et al. CFTR allelic heterogeneity in Mexican patients with cystic fibrosis: implications for molecular screening. Rev Invest Clin. 2010 Nov-Dec;62(6):546-52. Giusti R et al. New York State cystic fibrosis consortium: the first 2.5 years of experience with cystic fibrosis newborn screening in an ethnically diverse population. Pediatrics. 2007 Feb;119(2):e460-7. PMID: 17272608. McGinniss MJ et al. Extensive sequencing of the CFTR gene: lessons learned from the first 157 patient samples. Hum Genet. 2005 Dec;118(3-4):331-8. Sahami A et al. Mutation Analysis of Exons 10 and 17a of CFTR Gene in Patients with Cystic Fibrosis in Kermanshah Province, Western Iran. J Reprod Infertil. 2014 Jan;15(1):49-56. Salinas DB et al. Benign and Deleterious Cystic Fibrosis Transmembrane Conductance Regulator Mutations Identified by Sequencing in Positive Cystic Fibrosis Newborn Screen Children from California. PLoS One. 2016 May 23;11(5):e0155624. Alibakhshi R et al. Analysis of the CFTR gene in Iranian cystic fibrosis patients: identification of eight novel mutations. J Cyst Fibros. 2008 Mar;7(2):102-9. Chavez-Saldana M et al. CFTR allelic heterogeneity in Mexican patients with cystic fibrosis: implications for molecular screening. Rev Invest Clin. 2010 Nov-Dec;62(6):546-52. Giusti R et al. New York State cystic fibrosis consortium: the first 2.5 years of experience with cystic fibrosis newborn screening in an ethnically diverse population. Pediatrics. 2007 Feb;119(2):e460-7. PMID: 17272608. McGinniss MJ et al. Extensive sequencing of the CFTR gene: lessons learned from the first 157 patient samples. Hum Genet. 2005 Dec;118(3-4):331-8. Sahami A et al. Mutation Analysis of Exons 10 and 17a of CFTR Gene in Patients with Cystic Fibrosis in Kermanshah Province, Western Iran. J Reprod Infertil. 2014 Jan;15(1):49-56. Salinas DB et al. Benign and Deleterious Cystic Fibrosis Transmembrane Conductance Regulator Mutations Identified by Sequencing in Positive Cystic Fibrosis Newborn Screen Children from California. PLoS One. 2016 May 23;11(5):e0155624.

Baylor Genetics
Classification: Pathogenic for Bronchiectasis with or without elevated sweat chloride 1. Last evaluated: 2024-02-14. Review status: criteria provided, single submitter. Criteria: ACMG Guidelines, 2015. Collection method: clinical testing. Allele origin: unknown. Not counted in ClinVar's aggregate classification.

Women's Health and Genetics/Laboratory Corporation of America, LabCorp
Classification: Pathogenic for Cystic fibrosis. Last evaluated: 2022-10-25. Review status: criteria provided, single submitter. Criteria: LabCorp Variant Classification Summary - May 2015. Collection method: clinical testing. Allele origin: germline. Not counted in ClinVar's aggregate classification.
Comment: Variant summary: CFTR c.3107C>A (p.Thr1036Asn) results in a non-conservative amino acid change located in the ABC transporter type 1, transmembrane domain of the encoded protein sequence. Five of five in-silico tools predict a damaging effect of the variant on protein function. The variant allele was found at a frequency of 4e-06 in 250950 control chromosomes. c.3107C>A has been reported in the literature as a biallelic compound heterozygous or homozygous genotype in multiple individuals affected with Cystic Fibrosis (example, Giusti_2007, McGinniss_2005, Salinas_2016). These data indicate that the variant is very likely to be associated with disease. To our knowledge, no experimental evidence demonstrating an impact on protein function has been reported. Four clinical diagnostic laboratories and an expert panel (CFTR2) have submitted clinical-significance assessments for this variant to ClinVar after 2014 without evidence for independent evaluation. All submitters classified the variant as pathogenic/likely pathogenic. Based on the evidence outlined above, the variant was classified as pathogenic.